The following is an entry in ClinVar:

NM_001386393.1(PANK2):c.906-2A>C

Gene: PANK2 (pantothenate kinase 2; plus strand). Cytogenetic location: 20p13.
Variant type: single nucleotide variant.
Coding change: c.906-2A>C on transcript NM_001386393.1 (MANE Select); the canonical splice acceptor site of the intron before coding-DNA position 906, A replaced by C.
Molecular consequence: splice acceptor variant.
Genome position (GRCh38, 1-based): chr20:3,912,456, A>C. VCF-style: chr20-3912456-A-C. GRCh37 (hg19) VCF-style: chr20-3893103-A-C.
Other names: c.363-2A>C (NM_024960.6, NM_001324191.2, NM_153640.4); c.1236-2A>C (NM_153638.4); c.-73-2A>C (NM_001324193.2).
Identifiers: ClinVar variation 526627 (VCV000526627.7), dbSNP rs1261714833, ClinGen allele CA408117112.

ClinVar aggregate classification (germline): Pathogenic (1 of 4 stars; one submission).

Conditions:
Pigmentary pallidal degeneration (NBIA1). Also called: PKAN NEUROAXONAL DYSTROPHY, JUVENILE-ONSET; HARP SYNDROME; Pantothenate Kinase-Associated Neurodegeneration; Neuroaxonal dystrophy, late infantile; Hallervorden-Spatz disease; Neurodegeneration with brain iron accumulation 1. Identifiers: Orphanet 157850, MedGen C0018523, MONDO:0009319, OMIM 234200.

Submission:

Labcorp Genetics (formerly Invitae), Labcorp
Classification: Pathogenic for Pigmentary pallidal degeneration. Last evaluated: 2017-12-16. Review status: criteria provided, single submitter. Criteria: Invitae Variant Classification Sherloc (09022015). Collection method: clinical testing. Allele origin: germline.
Comment: For these reasons, this variant has been classified as Pathogenic. Donor and acceptor splice site variants typically lead to a loss of protein function (PMID: 16199547), and loss-of-function variants in PANK2 are known to be pathogenic (PMID: 11479594, 12510040). Algorithms developed to predict the effect of sequence changes on RNA splicing suggest that this variant may disrupt the consensus splice site, but this prediction has not been confirmed by published transcriptional studies. This variant has not been reported in the literature in individuals with PANK2-related disease. This variant is not present in population databases (ExAC no frequency). This sequence change affects an acceptor splice site in intron 3 of the PANK2 gene. It is expected to disrupt RNA splicing and likely results in an absent or disrupted protein product.

Literature cited by the submitters: PubMed 16199547; PubMed 11479594; PubMed 12510040.